The following is an entry in ClinVar:

ClinVar aggregate classification (germline): Uncertain significance (1 of 4 stars; one submission).

Submission:

Labcorp Genetics (formerly Invitae), Labcorp
Classification: Uncertain significance. Last evaluated: 2022-01-06. Review status: criteria provided, single submitter. Criteria: Invitae Variant Classification Sherloc (09022015). Collection method: clinical testing. Allele origin: germline.
Comment: In summary, the available evidence is currently insufficient to determine the role of this variant in disease. Therefore, it has been classified as a Variant of Uncertain Significance. Advanced modeling of protein sequence and biophysical properties (such as structural, functional, and spatial information, amino acid conservation, physicochemical variation, residue mobility, and thermodynamic stability) performed at Invitae indicates that this missense variant is not expected to disrupt COL2A1 protein function. This variant has not been reported in the literature in individuals affected with COL2A1-related conditions. This variant is not present in population databases (gnomAD no frequency). This sequence change replaces methionine, which is neutral and non-polar, with threonine, which is neutral and polar, at codon 1311 of the COL2A1 protein (p.Met1311Thr).

NM_001844.5(COL2A1):c.3932T>C (p.Met1311Thr)

Gene: COL2A1 (collagen type II alpha 1 chain; minus strand). Cytogenetic location: 12q13.11.
Variant type: single nucleotide variant.
Coding change: c.3932T>C on transcript NM_001844.5 (MANE Select); coding-DNA position 3932, T replaced by C.
Protein change: p.Met1311Thr; replaces methionine 1311 with threonine.
Molecular consequence: missense variant.
Genome position (GRCh38, 1-based): chr12:47,974,817, A>G on the plus strand (T>C on the coding strand, the complement: COL2A1 is on the minus strand). VCF-style: chr12-47974817-A-G. GRCh37 (hg19) VCF-style: chr12-48368600-A-G.
Other names: c.3725T>C, p.Met1242Thr (NM_033150.3); short protein forms M1242T, M1311T.
Identifiers: ClinVar variation 2076701 (VCV002076701.4), dbSNP rs2540097671, ClinGen allele CA384536022.